The following is an entry in ClinVar:

ClinVar aggregate classification (germline): Uncertain significance (1 of 4 stars; one submission).

gnomAD v4.1: 1 of 1,522,640 alleles (0.000066%); highest among the groups gnomAD compares: African/African-American, 0.0014%; no homozygotes.

Submission:

GeneDx
Classification: Uncertain significance. Last evaluated: 2021-10-08. Review status: criteria provided, single submitter. Criteria: GeneDx Variant Classification Process June 2021. Collection method: clinical testing. Allele origin: germline. Affected: yes.
Comment: In silico analysis supports that this missense variant does not alter protein structure/function; Has not been previously published as pathogenic or benign to our knowledge

NM_019066.5(MAGEL2):c.551C>A (p.Pro184His)

Gene: MAGEL2 (MAGE family member L2; minus strand). Cytogenetic location: 15q11.2.
Variant type: single nucleotide variant.
Coding change: c.551C>A on transcript NM_019066.5 (MANE Select); coding-DNA position 551, C replaced by A.
Protein change: p.Pro184His; replaces proline 184 with histidine.
Molecular consequence: missense variant.
Genome position (GRCh38, 1-based): chr15:23,647,192, G>T on the plus strand (C>A on the coding strand, the complement: MAGEL2 is on the minus strand). VCF-style: chr15-23647192-G-T. GRCh37 (hg19) VCF-style: chr15-23892339-G-T.
Other names: short protein forms P184H.
Identifiers: ClinVar variation 1676414 (VCV001676414.2), dbSNP rs1284195513, ClinGen allele CA391336993.